The following is an entry in ClinVar:

NM_001039591.3(USP9X):c.538C>T (p.Pro180Ser)

Gene: USP9X (ubiquitin specific peptidase 9 X-linked; plus strand). Cytogenetic location: Xp11.4.
Variant type: single nucleotide variant.
Coding change: c.538C>T on transcript NM_001039591.3 (MANE Select); coding-DNA position 538, C replaced by T.
Protein change: p.Pro180Ser; replaces proline 180 with serine.
Molecular consequence: missense variant.
Genome position (GRCh38, 1-based): chrX:41,136,906, C>T. VCF-style: chrX-41136906-C-T. GRCh37 (hg19) VCF-style: chrX-40996159-C-T.
Other names: c.538C>T, p.Pro180Ser (NM_001039590.3, NM_001410748.1, NM_001410749.1 and 1 more transcripts); short protein forms P180S.
Identifiers: ClinVar variation 4882251 (VCV004882251.2).

ClinVar aggregate classification (germline): Uncertain significance (1 of 4 stars; one submission).

Conditions:
Intellectual developmental disorder, X-linked 99. Also called: Intellectual disability, X-linked 99. Identifiers: Orphanet 777, MedGen C3806746, MONDO:0010487, OMIM 300919.

Submission:

Dasa
Classification: Uncertain significance for Intellectual developmental disorder, X-linked 99. Last evaluated: 2026-04-12. Review status: criteria provided, single submitter. Criteria: DASA Assertion Criteria. Collection method: clinical testing. Allele origin: germline.
Comment: NM_001039591.3(USP9X):c.538C>T (p.Pro180Ser) is a missense variant that results in the substitution of proline with serine. This variant is rare in population databases. The currently available literature and clinical evidence are not sufficient to establish a definitive association between this variant and the reported condition. Therefore, this variant is classified as a variant of uncertain significance.